The following is an entry in ClinVar:

ClinVar aggregate classification (germline): Uncertain significance. Review status: criteria provided, multiple submitters, no conflicts (2 of 4 stars). 3 submissions from 3 submitters: Uncertain significance (3). Last evaluated 2025-05-22.

Conditions:
Inborn genetic diseases. Identifiers: MedGen C0950123, MeSH D030342.

Allele frequency attached by ClinVar (database versions not stated): gnomAD 0.00001.
gnomAD v4.1: 4 of 1,613,206 alleles (0.00025%); highest among the groups gnomAD compares: Non-Finnish European, 0.00034%; no homozygotes.

Submissions (3):

Ambry Genetics
Classification: Uncertain significance for Inborn genetic diseases. Last evaluated: 2025-05-22. Review status: criteria provided, single submitter. Criteria: Ambry Variant Classification Scheme 2023. Collection method: clinical testing. Allele origin: germline.

Labcorp Genetics (formerly Invitae), Labcorp
Classification: Uncertain significance. Last evaluated: 2025-01-01. Review status: criteria provided, single submitter. Criteria: Invitae Variant Classification Sherloc (09022015). Collection method: clinical testing. Allele origin: germline.
Comment: This sequence change replaces cysteine, which is neutral and slightly polar, with tyrosine, which is neutral and polar, at codon 1267 of the SAMD9L protein (p.Cys1267Tyr). This variant is present in population databases (no rsID available, gnomAD 0.002%). This variant has not been reported in the literature in individuals affected with SAMD9L-related conditions. ClinVar contains an entry for this variant (Variation ID: 1329737). Invitae Evidence Modeling of protein sequence and biophysical properties (such as structural, functional, and spatial information, amino acid conservation, physicochemical variation, residue mobility, and thermodynamic stability) has been performed for this missense variant. However, the output from this modeling did not meet the statistical confidence thresholds required to predict the impact of this variant on SAMD9L protein function. In summary, the available evidence is currently insufficient to determine the role of this variant in disease. Therefore, it has been classified as a Variant of Uncertain Significance.

GeneDx
Classification: Uncertain significance. Last evaluated: 2021-06-24. Review status: criteria provided, single submitter. Criteria: GeneDx Variant Classification Process June 2021. Collection method: clinical testing. Allele origin: germline. Affected: yes.
Comment: Not observed at significant frequency in large population cohorts (Lek et al., 2016); In silico analysis supports that this missense variant does not alter protein structure/function; Has not been previously published as pathogenic or benign to our knowledge; This variant is associated with the following publications: (PMID: 27535533)

NM_152703.5(SAMD9L):c.3800G>A (p.Cys1267Tyr)

Gene: SAMD9L (sterile alpha motif domain containing 9 like; minus strand). Cytogenetic location: 7q21.2.
Variant type: single nucleotide variant.
Coding change: c.3800G>A on transcript NM_152703.5 (MANE Select); coding-DNA position 3800, G replaced by A.
Protein change: p.Cys1267Tyr; replaces cysteine 1267 with tyrosine.
Molecular consequence: missense variant.
Genome position (GRCh38, 1-based): chr7:93,132,172, C>T on the plus strand (G>A on the coding strand, the complement: SAMD9L is on the minus strand). VCF-style: chr7-93132172-C-T. GRCh37 (hg19) VCF-style: chr7-92761485-C-T.
Other names: c.3800G>A (NM_152703.2); c.3800G>A, p.Cys1267Tyr (NM_001303496.3, NM_001303497.3, NM_001303498.3 and 5 more transcripts); short protein forms C1267Y.
Identifiers: ClinVar variation 1329737 (VCV001329737.7), dbSNP rs774588113, ClinGen allele CA368179965.